The following is an entry in ClinVar:

ClinVar aggregate classification (germline): Uncertain significance. Review status: criteria provided, multiple submitters, no conflicts (2 of 4 stars). 7 submissions from 7 submitters: Uncertain significance (4). 3 of the submissions do not count toward it. Last evaluated 2026-04-30.

Conditions:
Cerebroretinal microangiopathy with calcifications and cysts 1 (CRMCC1). Identifiers: Orphanet 313838, MedGen C4552029, MONDO:0024564, OMIM 612199.
CTC1-related disorder. Also called: CTC1-related condition.
Dyskeratosis congenita. Identifiers: Orphanet 1775, MedGen C0265965, MONDO:0015780.

Allele frequency attached by ClinVar (database versions not stated): ExAC 0.00002; gnomAD exomes 0.00003 and 0.00005; gnomAD 0.00005 and 0.00006; TOPMed 0.00005.
gnomAD v4.1: 82 of 1,613,930 alleles (0.0051%); highest among the groups gnomAD compares: Middle Eastern, 0.016%; no homozygotes.

Submissions (7):

PreventionGenetics, part of Exact Sciences
Classification: Uncertain significance for CTC1-related condition. Last evaluated: 2026-04-30. Review status: criteria provided, single submitter. Criteria: ACMG Guidelines, 2015. Collection method: clinical testing. Allele origin: germline.
Comment: The CTC1 c.3326A>G variant is predicted to result in the amino acid substitution p.Asp1109Gly. This variant has been reported in two individuals with blindness (Table S12, Diñeiro et al. 2020. PubMed ID: 32483926). This variant is reported in 0.010% of alleles in individuals of East Asian descent in gnomAD. At this time, the clinical significance of this variant is uncertain due to the absence of conclusive functional and genetic evidence.

Fulgent Genetics
Classification: Uncertain significance for Cerebroretinal microangiopathy with calcifications and cysts 1. Last evaluated: 2024-01-24. Review status: criteria provided, single submitter. Criteria: ACMG Guidelines, 2015. Collection method: clinical testing. Allele origin: germline.

Labcorp Genetics (formerly Invitae), Labcorp
Classification: Uncertain significance for Dyskeratosis congenita. Last evaluated: 2023-12-31. Review status: criteria provided, single submitter. Criteria: Invitae Variant Classification Sherloc (09022015). Collection method: clinical testing. Allele origin: germline.
Comment: This sequence change replaces aspartic acid, which is acidic and polar, with glycine, which is neutral and non-polar, at codon 1109 of the CTC1 protein (p.Asp1109Gly). This variant is present in population databases (rs202226502, gnomAD 0.01%). This missense change has been observed in individual(s) with clinical features of CTC1-related conditions (PMID: 32483926). ClinVar contains an entry for this variant (Variation ID: 851627). Advanced modeling of protein sequence and biophysical properties (such as structural, functional, and spatial information, amino acid conservation, physicochemical variation, residue mobility, and thermodynamic stability) performed at Invitae indicates that this missense variant is not expected to disrupt CTC1 protein function with a negative predictive value of 80%. In summary, the available evidence is currently insufficient to determine the role of this variant in disease. Therefore, it has been classified as a Variant of Uncertain Significance.

Sema4
Classification: Uncertain significance for Dyskeratosis congenita. Last evaluated: 2021-10-19. Review status: criteria provided, single submitter. Criteria: Sema4 Curation Guidelines. Collection method: curation. Allele origin: germline.
Comment: The CTC1 c.3326A>G (p.D1109G) variant has not been reported in the literature to our knowledge. It was observed in 2/19532 chromosomes of the East Asian subpopulation in the large and broad cohorts of the Genome Aggregation Database (PMID: 32461654), and has been reported in ClinVar (Variation ID 851627). Functional studies have not been performed, and in silico predictions of the variant's effect on protein function are inconclusive. The evidence is insufficient to meet ACMG/AMP criteria for classifying the variant as benign or pathogenic. Thus, the clinical significance of this variant is currently uncertain.

Clinical Genetics DNA and cytogenetics Diagnostics Lab, Erasmus MC, Erasmus Medical Center
Classification: Likely benign. Review status: no assertion criteria provided. Collection method: clinical testing. Allele origin: germline. Affected: yes. Study: VKGL Data-share Consensus. Not counted in ClinVar's aggregate classification.

Genome Diagnostics Laboratory, University Medical Center Utrecht
Classification: Likely benign. Review status: no assertion criteria provided. Collection method: clinical testing. Allele origin: germline. Affected: yes. Study: VKGL Data-share Consensus. Not counted in ClinVar's aggregate classification.

Laboratory of Diagnostic Genome Analysis, Leiden University Medical Center (LUMC)
Classification: Likely benign. Review status: no assertion criteria provided. Collection method: clinical testing. Allele origin: germline. Affected: yes. Study: VKGL Data-share Consensus. Not counted in ClinVar's aggregate classification.

Literature cited by the submitters: PubMed 32483926 (cited by Labcorp Genetics (formerly Invitae), Labcorp).

NM_025099.6(CTC1):c.3326A>G (p.Asp1109Gly)

Gene: CTC1 (CST telomere replication complex component 1; minus strand). Cytogenetic location: 17p13.1.
Variant type: single nucleotide variant.
Coding change: c.3326A>G on transcript NM_025099.6 (MANE Select); coding-DNA position 3326, A replaced by G.
Protein change: p.Asp1109Gly; replaces aspartic acid 1109 with glycine.
Molecular consequence: missense variant. On other transcripts: non-coding transcript variant (1).
Genome position (GRCh38, 1-based): chr17:8,228,788, T>C on the plus strand (A>G on the coding strand, the complement: CTC1 is on the minus strand). VCF-style: chr17-8228788-T-C. GRCh37 (hg19) VCF-style: chr17-8132106-T-C.
Other names: short protein forms D1109G.
Identifiers: ClinVar variation 851627 (VCV000851627.11), dbSNP rs202226502, ClinGen allele CA8371809.
Genomic context (GRCh38, chr17:8,228,788, plus strand): 5'-TCAAGTTGGGCTCCAGGCCCTGCAAACTGCAAGACCACTCTGCCTGGCACTTGGACGAAA[T>C]CTAGGAGGGAGGCCCACTCTCTAGGACACAGCCCTAGTGCTGCTGCCACATGGTGATTCC-3'
Protein context (NP_079375.3, residues 1099-1119): LCPREWASLL[Asp1109Gly]FVQVPGRVVL